The following is an entry in ClinVar:

NM_001256317.3(TMPRSS3):c.1148T>A (p.Met383Lys)

Gene: TMPRSS3 (transmembrane serine protease 3; minus strand). Cytogenetic location: 21q22.3.
Variant type: single nucleotide variant.
Coding change: c.1148T>A on transcript NM_001256317.3 (MANE Select); coding-DNA position 1148, T replaced by A.
Protein change: p.Met383Lys; replaces methionine 383 with lysine.
Molecular consequence: missense variant.
Genome position (GRCh38, 1-based): chr21:42,376,584, A>T on the plus strand (T>A on the coding strand, the complement: TMPRSS3 is on the minus strand). VCF-style: chr21-42376584-A-T. GRCh37 (hg19) VCF-style: chr21-43796693-A-T.
Other names: c.1151T>A, p.Met384Lys (NM_024022.4); c.770T>A, p.Met257Lys (NM_032404.3); short protein forms M383K, M384K, M257K.
Identifiers: ClinVar variation 873474 (VCV000873474.14), dbSNP rs749798053, ClinGen allele CA10042329.

ClinVar aggregate classification (germline): Conflicting classifications of pathogenicity. Review status: criteria provided, conflicting classifications (1 of 4 stars). 7 submissions from 7 submitters: Pathogenic (1); Likely pathogenic (4); Uncertain significance (2). Last evaluated 2025-12-01.

Conditions:
TMPRSS3-related disorder. Also called: TMPRSS3-related condition.
Autosomal recessive nonsyndromic hearing loss 8 (DFNB8). Also called: Deafness, autosomal recessive 10; NEUROSENSORY NONSYNDROMIC RECESSIVE DEAFNESS 8. Identifiers: Orphanet 90636, MedGen C1832827, MONDO:0010987, OMIM 601072.

Allele frequency attached by ClinVar (database versions not stated): ExAC 0.00002; gnomAD 0.00002; gnomAD exomes 0.00002 and 0.00005; TOPMed 0.00002.
gnomAD v4.1: 80 of 1,613,700 alleles (0.005%); highest among the groups gnomAD compares: Non-Finnish European, 0.0066%; no homozygotes.

Submissions (7):

PreventionGenetics, part of Exact Sciences
Classification: Likely pathogenic for TMPRSS3-related condition. Last evaluated: 2025-12-01. Review status: criteria provided, single submitter. Criteria: ACMG Guidelines, 2015. Collection method: clinical testing. Allele origin: germline.
Comment: The TMPRSS3 c.1151T>A variant is predicted to result in the amino acid substitution p.Met384Lys. This variant was reported together with a TMPRSS3 loss-of-function variant in at least one individual with hearing loss (Roman et al. 2020. PubMed ID: 32853555; Tollefson et al. 2023. PubMed ID: 37086329) and in silico functional analysis predicted this variant to be causative (Tollefson et al. 2023. PubMed ID: 37086329). This variant was also observed in compound heterozygosity with a TMPRSS3 loss-of-function variant in two siblings with bilateral sensorineural hearing loss of childhood onset (Supplement, Carlson et al. 2023. PubMed ID: 36633841; ClinVar Variation: 873474) and was observed in an additional individual with hearing loss by one additional submitter to ClinVar (Variation: 873474). This variant is reported in 0.0044% of alleles in individuals of European (Non-Finnish) descent in gnomAD. An alternative variant at the same codon (p.Met384Arg) was also observed in individuals with hearing loss (Gao et al. 2017. PubMed ID: 28695016). This variant is interpreted as likely pathogenic.

Labcorp Genetics (formerly Invitae), Labcorp
Classification: Pathogenic. Last evaluated: 2024-08-13. Review status: criteria provided, single submitter. Criteria: Invitae Variant Classification Sherloc (09022015). Collection method: clinical testing. Allele origin: germline.
Comment: This sequence change replaces methionine, which is neutral and non-polar, with lysine, which is basic and polar, at codon 384 of the TMPRSS3 protein (p.Met384Lys). This variant is present in population databases (rs749798053, gnomAD 0.005%). This missense change has been observed in individual(s) with deafness (PMID: 32853555; Invitae). In at least one individual the data is consistent with being in trans (on the opposite chromosome) from a pathogenic variant. ClinVar contains an entry for this variant (Variation ID: 873474). Advanced modeling of protein sequence and biophysical properties (such as structural, functional, and spatial information, amino acid conservation, physicochemical variation, residue mobility, and thermodynamic stability) performed at Invitae indicates that this missense variant is expected to disrupt TMPRSS3 protein function with a positive predictive value of 95%. This variant disrupts the p.Met384 amino acid residue in TMPRSS3. Other variant(s) that disrupt this residue have been observed in individuals with TMPRSS3-related conditions (PMID: 28695016, 37086329), which suggests that this may be a clinically significant amino acid residue. For these reasons, this variant has been classified as Pathogenic.

Fulgent Genetics
Classification: Likely pathogenic for Autosomal recessive nonsyndromic hearing loss 8. Last evaluated: 2024-01-29. Review status: criteria provided, single submitter. Criteria: ACMG Guidelines, 2015. Collection method: clinical testing. Allele origin: germline.

King Laboratory, University of Washington
Classification: Likely pathogenic for Autosomal recessive nonsyndromic hearing loss 8. Last evaluated: 2023-02-28. Review status: criteria provided, single submitter. Criteria: Li et al. (Genet Med. 2022). Collection method: research. Allele origin: unknown. Affected: yes.
Comment: This variant occurred in compound heterozygosity with a TMPRSS3 frameshift variant in two siblings with bilateral sensorineural hearing loss of onset <18 years, in a study of pediatric hearing loss conducted by the King Laboratory (Carlson RJ et al. JAMA-OtoHNS 2023). These siblings’ family has no other history of hearing loss. This variant is a missense at a completely conserved site and is predicted to be damaging by multiple in-silico tools. As of January 2023, this variant has been reported to ClinVar as a variant of unknown significance and is found in 5 heterozygotes on gnomAD. Based on consistently predicted functional effect, compound heterozygosity with a loss-of-function variant, co-segregation with the phenotype in the family, and goodness of fit of genotype to phenotype, we conclude that this variant is likely pathogenic.

GeneDx
Classification: Uncertain significance. Last evaluated: 2021-02-10. Review status: criteria provided, single submitter. Criteria: GeneDx Variant Classification Process June 2021. Collection method: clinical testing. Allele origin: germline. Affected: yes.
Comment: Not observed at a significant frequency in large population cohorts (Lek et al., 2016); In silico analysis supports that this missense variant has a deleterious effect on protein structure/function; Has not been previously published as pathogenic or benign to our knowledge

Blueprint Genetics
Classification: Likely pathogenic for TMPRSS3-related disorders. Last evaluated: 2020-02-07. Review status: criteria provided, single submitter. Criteria: ACMG Guidelines, 2015. Collection method: clinical testing. Allele origin: germline. Affected: yes. Observed: 3 variant alleles.

UNC Molecular Genetics  Laboratory, University of North Carolina at Chapel Hill
Classification: Uncertain significance for Deafness, autosomal recessive 8. Review status: criteria provided, single submitter. Criteria: ACMG Guidelines, 2015. Collection method: research. Allele origin: inherited. Affected: yes. Observed: 1 variant allele. Study: NSIGHT-NC NEXUS.
Comment: The TMPRSS3 c.1151T>A (p.M384K) missense variant has not been previously reported in individuals with hearing loss, and therefore has uncertain clinical significance.

Literature cited by the submitters: PubMed 32853555 (cited by Labcorp Genetics (formerly Invitae), Labcorp); PubMed 28695016 (cited by Labcorp Genetics (formerly Invitae), Labcorp); PubMed 37086329 (cited by Labcorp Genetics (formerly Invitae), Labcorp); PubMed 36633841 (cited by King Laboratory, University of Washington).